The following is an entry in ClinVar:

ClinVar aggregate classification (germline): Likely pathogenic. Review status: criteria provided, multiple submitters, no conflicts (2 of 4 stars). 3 submissions from 3 submitters: Likely pathogenic (2). 1 of the submissions does not count toward it. Last evaluated 2025-12-25.

Conditions:
Autosomal recessive nonsyndromic hearing loss 2. Also called: DEAFNESS, AUTOSOMAL RECESSIVE 2; NEUROSENSORY NONSYNDROMIC RECESSIVE DEAFNESS 2. Identifiers: Orphanet 90636, MedGen C1838701, MONDO:0010807, OMIM 600060.
Usher syndrome type 1 (USH1). Also called: RETINITIS PIGMENTOSA AND CONGENITAL DEAFNESS. Identifiers: Orphanet 231169, Orphanet 886, MedGen C1568247, MONDO:0010168, OMIM 276900.
Usher syndrome type 1B (USH1B). Also called: Usher syndrome type IB. Identifiers: MedGen C1848638, MONDO:0700087.

Submissions (3):

Natera, Inc.
Classification: Likely pathogenic for Usher syndrome type 1B. Last evaluated: 2025-12-25. Review status: criteria provided, single submitter. Criteria: Natera Variant Classification Schema (03/2026). Collection method: clinical testing. Allele origin: germline.
Comment: The c.2187+1G>T variant in MYO7A is a canonical splice donor site variant predicted to affect pre-mRNA splicing, which may result in an abnormal transcript and altered protein product. This variant is expected to result in nonsense mediated decay, truncation, or a dysfunctional protein product. This variant is rare in the general population with a frequency below the threshold expected for the associated phenotype(s). This variant has been observed in one or more individuals affected with the associated recessive disease, as either homozygous or compound heterozygous with a second variant (PMID: 29490346, 38178268). Given the available evidence, this variant is classified as Likely Pathogenic.

King Laboratory, University of Washington
Classification: Likely pathogenic for Autosomal recessive nonsyndromic hearing loss 2. Last evaluated: 2020-08-01. Review status: criteria provided, single submitter. Criteria: Abu Rayyan A et al. (Proc Natl Acad Sci U S A 2020). Collection method: research. Allele origin: germline. Affected: yes.
Comment: MYO7A c.2187+1G>T is predicted to disrupt the splice donor of MYO7A exon 18 resulting in a 93bp message deletion and loss of aa 699-729 of the myosin motor domain (Abu Rayyan 2020). It is absent from 1300 Palestinian controls and from gnomAD v2.1.1.

Sharon lab, Hadassah-Hebrew University Medical Center
Classification: Pathogenic for Usher syndrome type 1. Last evaluated: 2019-06-23. Review status: no assertion criteria provided. Collection method: research. Allele origin: inherited. Affected: yes. Not counted in ClinVar's aggregate classification.

Literature cited by the submitters: PubMed 29490346 (cited by Natera, Inc.); PubMed 38178268 (cited by Natera, Inc.).

NM_000260.4(MYO7A):c.2187+1G>T

Gene: MYO7A (myosin VIIA; plus strand). Cytogenetic location: 11q13.5.
Variant type: single nucleotide variant.
Coding change: c.2187+1G>T on transcript NM_000260.4 (MANE Select); the canonical splice donor site of the intron after coding-DNA position 2187, G replaced by T.
Molecular consequence: splice donor variant.
Genome position (GRCh38, 1-based): chr11:77,175,465, G>T. VCF-style: chr11-77175465-G-T. GRCh37 (hg19) VCF-style: chr11-76886511-G-T.
Other names: c.2154+1G>T (NM_001369365.1); c.2187+1G>T (NM_001127180.2).
Identifiers: ClinVar variation 812350 (VCV000812350.4), dbSNP rs111033290, ClinGen allele CA381939793.
Genomic context (GRCh38, chr11:77,175,465, plus strand): 5'-GAGGCTGTGCTGGGCACCCACGATGACTGGCAGATAGGCAAAACCAAGATCTTTCTGAAG[G>T]TGAGCACAGATGCCTTCCCTGGGCTGCCCTGGGGGGGCTGTAAATTCCCATGATGTGGGC-3'